The following is an entry in ClinVar:

NM_000156.6(GAMT):c.459+9_459+12del

Gene: GAMT (guanidinoacetate N-methyltransferase; minus strand). Cytogenetic location: 19p13.3.
Variant type: Microsatellite.
Coding change: c.459+9_459+12del on transcript NM_000156.6 (MANE Select); bases 9 to 12 of the intron after coding-DNA position 459, 4 bases deleted (CTCT; older notation c.459+9_459+12delCTCT).
Molecular consequence: intron variant.
Genome position (GRCh38, 1-based): chr19:1,399,116-1,399,119, AGAG deleted on the plus strand (CTCT on the coding strand, the reverse complement: GAMT is on the minus strand); deleting any 4 consecutive bases within chr19:1,399,116-1,399,122 gives the same sequence; the c. name uses the placement nearest the transcript's 3' end. VCF-style (leftmost placement, unchanged base first): chr19-1399115-CAGAG-C. GRCh37 (hg19) VCF-style: chr19-1399114-CAGAG-C.
Other names: c.459+9_459+12delCTCT (NM_000156.4); c.459+9_459+12del (NM_138924.3).
Identifiers: ClinVar variation 513151 (VCV000513151.13), dbSNP rs762239322, ClinGen allele CA9043657.

ClinVar aggregate classification (germline): Uncertain significance. Review status: reviewed by expert panel (3 of 4 stars). 3 submissions from 3 submitters: Uncertain significance (1). 2 of the submissions do not count toward it. Last evaluated 2026-04-20.

Conditions:
Cerebral creatine deficiency syndrome. Also called: Creatine deficiency syndromes. Identifiers: Orphanet 79172, MedGen C5244016, MONDO:0000456.
Deficiency of guanidinoacetate methyltransferase (CCDS2). Also called: GAMT DEFICIENCY; CEREBRAL CREATINE DEFICIENCY SYNDROME 2; Guanidinoacetate Methyltransferase (GAMT) Deficiency. Identifiers: Orphanet 382, MedGen C0574080, MONDO:0012999, OMIM 612736.

Submissions (3):

ClinGen Cerebral Creatine Deficiency Syndromes Variant Curation Expert Panel, ClinGen
Classification: Uncertain significance for Deficiency of guanidinoacetate methyltransferase. Last evaluated: 2026-04-20. Review status: reviewed by expert panel. Criteria: ClinGen CCDS ACMG Specifications GAMT V2.0.0. Collection method: curation. Allele origin: germline. Inheritance: Autosomal recessive inheritance.
Comment: The NM_000156.6:c.459+9_459+12del variant in GAMT is an intronic variant in intron 4 and leads to a deletion of 4 base pairs. To our knowledge, this variant has not been reported in the literature and results of functional studies are unavailable. The highest population minor allele frequency in gnomAD v4.1.0. is 0.00005330 (4/75046 alleles; no homozygotes) in the African/African American population, which is lower than the ClinGen CCDS VCEP’s threshold for PM2_Supporting (<0.0004), meeting this criterion (PM2_Supporting). The computational predictor SpliceAI suggests that this variant has no impact on the gene/gene product (score <0.1) (BP4). This variant occurs between +7 and -21 in an intron (BP7). There is a ClinVar entry for the variant (Variation ID: 513151). Due to conflicting evidence, this variant is classified as a variant of unknown significance for GAMT deficiency based on the GAMT-specific ACMG/AMP criteria applied, as specified by the ClinGen Creatine Deficiency Syndromes Variant Curation Expert Panel (Specifications Version 2.0.0): BP4, BP7, PM2_Supporting. (Classification approved by the ClinGen Creatine Deficiency Syndromes Variant Curation Expert Panel on April 20, 2026).

Labcorp Genetics (formerly Invitae), Labcorp
Classification: Likely benign for Cerebral creatine deficiency syndrome. Last evaluated: 2025-11-03. Review status: criteria provided, single submitter. Criteria: Invitae Variant Classification Sherloc (09022015). Collection method: clinical testing. Allele origin: germline. Not counted in ClinVar's aggregate classification.

GeneDx
Classification: Likely benign. Last evaluated: 2017-11-06. Review status: criteria provided, single submitter. Criteria: GeneDx Variant Classification (06012015). Collection method: clinical testing. Allele origin: germline. Affected: yes. Not counted in ClinVar's aggregate classification.
Comment: This variant is considered likely benign or benign based on one or more of the following criteria: it is a conservative change, it occurs at a poorly conserved position in the protein, it is predicted to be benign by multiple in silico algorithms, and/or has population frequency not consistent with disease.